The following is an entry in ClinVar:

ClinVar aggregate classification (germline): Benign/Likely benign. Review status: criteria provided, multiple submitters, no conflicts (2 of 4 stars). 5 submissions from 5 submitters: Benign (1); Likely benign (3). 1 of the submissions does not count toward it. Last evaluated 2025-12-19.

Conditions:
CREBBP-related disorder. Also called: CREBBP-related condition; CREBBP-related disorders.
Inborn genetic diseases. Identifiers: MedGen C0950123, MeSH D030342.
Rubinstein-Taybi syndrome (RSTS). Identifiers: Orphanet 783, MedGen C0035934, MONDO:0019188.

Allele frequency attached by ClinVar (database versions not stated): ExAC 0.00017; gnomAD exomes 0.00020; gnomAD 0.00029; TOPMed 0.00032; 1000 Genomes Project 0.00040; ESP Exome Variant Server 0.00046; 1000 Genomes Project 30x 0.00047.
gnomAD v4.1: 272 of 1,614,168 alleles (0.017%); highest among the groups gnomAD compares: African/African-American, 0.055%; 1 homozygote.

Submissions (5):

Labcorp Genetics (formerly Invitae), Labcorp
Classification: Likely benign for Rubinstein-Taybi syndrome. Last evaluated: 2025-12-19. Review status: criteria provided, single submitter. Criteria: Invitae Variant Classification Sherloc (09022015). Collection method: clinical testing. Allele origin: germline.

Blueprint Genetics
Classification: Likely benign. Last evaluated: 2024-10-09. Review status: criteria provided, single submitter. Criteria: ACMG Guidelines, 2015. Collection method: clinical testing. Allele origin: germline.

GeneDx
Classification: Benign. Last evaluated: 2020-12-07. Review status: criteria provided, single submitter. Criteria: GeneDx Variant Classification Process June 2021. Collection method: clinical testing. Allele origin: germline. Affected: yes.

Ambry Genetics
Classification: Likely benign for Inborn genetic diseases. Last evaluated: 2017-07-17. Review status: criteria provided, single submitter. Criteria: Ambry Variant Classification Scheme 2023. Collection method: clinical testing. Allele origin: germline.

PreventionGenetics, part of Exact Sciences
Classification: Likely benign for CREBBP-related condition. Last evaluated: 2021-08-02. Review status: no assertion criteria provided. Collection method: clinical testing. Allele origin: germline. Not counted in ClinVar's aggregate classification.
Comment: This variant is classified as likely benign based on ACMG/AMP sequence variant interpretation guidelines (Richards et al. 2015 PMID: 25741868, with internal and published modifications).

NM_004380.3(CREBBP):c.2239A>G (p.Met747Val)

Gene: CREBBP (CREB binding lysine acetyltransferase; minus strand). Cytogenetic location: 16p13.3.
Variant type: single nucleotide variant.
Coding change: c.2239A>G on transcript NM_004380.3 (MANE Select); coding-DNA position 2239, A replaced by G.
Protein change: p.Met747Val; replaces methionine 747 with valine.
Molecular consequence: missense variant.
Genome position (GRCh38, 1-based): chr16:3,774,613, T>C on the plus strand (A>G on the coding strand, the complement: CREBBP is on the minus strand). VCF-style: chr16-3774613-T-C. GRCh37 (hg19) VCF-style: chr16-3824614-T-C.
Other names: c.2125A>G, p.Met709Val (NM_001079846.1); short protein forms M709V, M747V.
Identifiers: ClinVar variation 1292980 (VCV001292980.14), dbSNP rs142932907, ClinGen allele CA7870206.